The following is an entry in ClinVar:

NM_001386795.1(DTNA):c.2122A>C (p.Ile708Leu)

Gene: DTNA (dystrobrevin alpha; plus strand). Cytogenetic location: 18q12.1.
Variant type: single nucleotide variant.
Coding change: c.2122A>C on transcript NM_001386795.1 (MANE Select); coding-DNA position 2122, A replaced by C.
Protein change: p.Ile708Leu; replaces isoleucine 708 with leucine.
Molecular consequence: missense variant.
Genome position (GRCh38, 1-based): chr18:34,879,679, A>C. VCF-style: chr18-34879679-A-C. GRCh37 (hg19) VCF-style: chr18-32459643-A-C.
Other names: c.1861A>C, p.Ile621Leu (NM_001198938.2, NM_001198940.2, NM_001386753.1 and 5 more transcripts); c.1882A>C, p.Ile628Leu (NM_001198939.2); c.1168A>C, p.Ile390Leu (NM_001198942.1); c.1111A>C, p.Ile371Leu (NM_001198943.1); c.997A>C, p.Ile333Leu (NM_001198944.1); c.1951A>C, p.Ile651Leu (NM_001386754.1, NM_001386755.1, NM_001386756.1 and 3 more transcripts); c.1858A>C, p.Ile620Leu (NM_001386768.1, NM_001386769.1); c.2122A>C, p.Ile708Leu (NM_001386788.1); and 5 more; short protein forms I329L, I333L, I371L, I390L, I620L, I621L, I623L, I624L.
Identifiers: ClinVar variation 3609655 (VCV003609655.2).
Genomic context (GRCh38, chr18:34,879,679, plus strand): 5'-CCCTCACCAACCTCTGAAAAGGCTTTTCTAGCGCAAATCCATGCCCGAAAACCTGGGTAC[A>C]TTCACAGTGGAGCTACCACAAGTACCATGCGTGGCGACATGTGAGTATCTTCCGCTTGGA-3'
Protein context (NP_001373724.1, residues 698-718): AQIHARKPGY[Ile708Leu]HSGATTSTMR

ClinVar aggregate classification (germline): Uncertain significance (1 of 4 stars; one submission).

Conditions:
Left ventricular noncompaction 1 (LVNC1). Also called: LEFT VENTRICULAR NONCOMPACTION 1 WITH OR WITHOUT CONGENITAL HEART DEFECTS. Identifiers: Orphanet 54260, MedGen C1858725, MONDO:0011403, OMIM 604169.

gnomAD v4.1: 6 of 1,614,016 alleles (0.00037%); highest among the groups gnomAD compares: Non-Finnish European, 0.00051%; no homozygotes.

Submission:

Labcorp Genetics (formerly Invitae), Labcorp
Classification: Uncertain significance for Left ventricular noncompaction 1. Last evaluated: 2025-08-13. Review status: criteria provided, single submitter. Criteria: Invitae Variant Classification Sherloc (09022015). Collection method: clinical testing. Allele origin: germline.
Comment: This sequence change replaces isoleucine, which is neutral and non-polar, with leucine, which is neutral and non-polar, at codon 681 of the DTNA protein (p.Ile681Leu). This variant is present in population databases (rs138145650, gnomAD 0.004%). This variant has not been reported in the literature in individuals affected with DTNA-related conditions. ClinVar contains an entry for this variant (Variation ID: 3609655). An algorithm developed to predict the effect of missense changes on protein structure and function outputs the following: PolyPhen-2: "Benign". The leucine amino acid residue is found in multiple mammalian species, which suggests that this missense change does not adversely affect protein function. In summary, the available evidence is currently insufficient to determine the role of this variant in disease. Therefore, it has been classified as a Variant of Uncertain Significance.